The following is an entry in ClinVar:

ClinVar aggregate classification (germline): Uncertain significance. Review status: criteria provided, multiple submitters, no conflicts (2 of 4 stars). 3 submissions from 3 submitters: Uncertain significance (3). Last evaluated 2022-07-14.

Conditions:
Nephronophthisis. Also called: Juvenile Nephronophthisis. Identifiers: Orphanet 655, MedGen C0687120, MONDO:0019005, HP:0000090.

Allele frequency attached by ClinVar (database versions not stated): ExAC 0.00002; gnomAD 0.00002 and 0.00003; TOPMed 0.00003; gnomAD exomes 0.00004.
gnomAD v4.1: 61 of 1,613,992 alleles (0.0038%); highest among the groups gnomAD compares: Admixed American, 0.0083%; no homozygotes.

Submissions (3):

Labcorp Genetics (formerly Invitae), Labcorp
Classification: Uncertain significance for Nephronophthisis. Last evaluated: 2022-07-14. Review status: criteria provided, single submitter. Criteria: Invitae Variant Classification Sherloc (09022015). Collection method: clinical testing. Allele origin: germline.
Comment: This sequence change replaces arginine, which is basic and polar, with histidine, which is basic and polar, at codon 1027 of the INVS protein (p.Arg1027His). This variant is present in population databases (rs774849762, gnomAD 0.01%). This variant has not been reported in the literature in individuals affected with INVS-related conditions. ClinVar contains an entry for this variant (Variation ID: 194652). Algorithms developed to predict the effect of missense changes on protein structure and function output the following: SIFT: "Tolerated"; PolyPhen-2: "Benign"; Align-GVGD: "Class C0". The histidine amino acid residue is found in multiple mammalian species, which suggests that this missense change does not adversely affect protein function. In summary, the available evidence is currently insufficient to determine the role of this variant in disease. Therefore, it has been classified as a Variant of Uncertain Significance.

Blueprint Genetics
Classification: Uncertain significance. Last evaluated: 2021-09-14. Review status: criteria provided, single submitter. Criteria: ACMG Guidelines, 2015. Collection method: clinical testing. Allele origin: germline.

Eurofins Ntd Llc (ga)
Classification: Uncertain significance. Last evaluated: 2014-10-21. Review status: criteria provided, single submitter. Criteria: EGL Classification Definitions 2015. Collection method: clinical testing. Allele origin: germline. Observed: 1 variant allele, 1 heterozygote.

NM_014425.5(INVS):c.3080G>A (p.Arg1027His)

Gene: INVS (inversin; plus strand). Cytogenetic location: 9q31.1.
Variant type: single nucleotide variant.
Coding change: c.3080G>A on transcript NM_014425.5 (MANE Select); coding-DNA position 3080, G replaced by A.
Protein change: p.Arg1027His; replaces arginine 1027 with histidine.
Molecular consequence: missense variant. On other transcripts: non-coding transcript variant (1).
Genome position (GRCh38, 1-based): chr9:100,297,999, G>A. VCF-style: chr9-100297999-G-A. GRCh37 (hg19) VCF-style: chr9-103060281-G-A.
Other names: c.2792G>A, p.Arg931His (NM_001318381.2); c.2102G>A, p.Arg701His (NM_001318382.2); short protein forms R1027H, R701H, R931H.
Identifiers: ClinVar variation 194652 (VCV000194652.10), dbSNP rs774849762, ClinGen allele CA240742.